The following is an entry in ClinVar:

NM_001370259.2(MEN1):c.1377C>T (p.Ser459=)

Gene: MEN1 (menin 1; minus strand). Cytogenetic location: 11q13.1.
Variant type: single nucleotide variant.
Coding change: c.1377C>T on transcript NM_001370259.2 (MANE Select); coding-DNA position 1377, C replaced by T.
Protein change: p.Ser459=; no amino-acid change (serine 459 retained).
Molecular consequence: synonymous variant.
Genome position (GRCh38, 1-based): chr11:64,804,790, G>A on the plus strand (C>T on the coding strand, the complement: MEN1 is on the minus strand). VCF-style: chr11-64804790-G-A. GRCh37 (hg19) VCF-style: chr11-64572262-G-A.
Other names: c.1377C>T (NM_130799.2); c.1377C>T, p.Ser459= (NM_001370260.2, NM_001370261.2, NM_130799.3); c.1272C>T, p.Ser424= (NM_001370262.2, NM_001370263.2); c.1392C>T, p.Ser464= (NM_130800.3, NM_130801.3, NM_130802.3 and 3 more transcripts); c.1503C>T, p.Ser501= (NM_001370251.2).
Identifiers: ClinVar variation 1530615 (VCV001530615.11), dbSNP rs2136093597, ClinGen allele CA475163621.
Genomic context (GRCh38, chr11:64,804,790, plus strand): 5'-CCGGCCTTCCCGGGCTTCCTCGCCCCACGGCTCCTCGGCCTCGGCCGCCTCGGCCTCTCG[G>A]CTCACTATGCGCACCTTCTGCCGCACCTGGGCCAGTGGGGAGAGCAAGGTGAGAGCAAGG-3'
Protein context (NP_001357188.2, residues 449-469): GQVRQKVRIV[Ser459=]REAEAAEAEE

ClinVar aggregate classification (germline): Benign/Likely benign. Review status: criteria provided, multiple submitters, no conflicts (2 of 4 stars). 4 submissions from 4 submitters: Benign (1); Likely benign (3). Last evaluated 2024-11-05.

Conditions:
Hereditary cancer-predisposing syndrome. Also called: Tumor predisposition; Hereditary neoplastic syndrome; Neoplastic Syndromes, Hereditary; Hereditary Cancer Syndrome. Identifiers: Orphanet 140162, MedGen C0027672, MeSH D009386, MONDO:0015356.
Multiple endocrine neoplasia, type 1 (MEN1). Also called: Endocrine adenomatosis multiple; MEN 1; MEN I; WERMER SYNDROME; MEA I. Identifiers: Orphanet 652, MedGen C0025267, MeSH D018761, MONDO:0007540, OMIM 131100.

Allele frequency attached by ClinVar (database versions not stated): gnomAD exomes below 0.00001.

Submissions (4):

Myriad Genetics, Inc.
Classification: Benign for Multiple endocrine neoplasia, type 1. Last evaluated: 2024-11-05. Review status: criteria provided, single submitter. Criteria: Myriad Autosomal Dominant, Autosomal Recessive and X-Linked Classification Criteria (2023). Collection method: clinical testing. Allele origin: unknown.
Comment: This variant is considered benign. This variant is a silent/synonymous amino acid change and it is not expected to impact splicing.

Ambry Genetics
Classification: Likely benign for Hereditary cancer-predisposing syndrome. Last evaluated: 2024-07-13. Review status: criteria provided, single submitter. Criteria: Ambry Variant Classification Scheme 2023. Collection method: clinical testing. Allele origin: germline.

All of Us Research Program, National Institutes of Health
Classification: Likely benign for Multiple endocrine neoplasia, type 1. Last evaluated: 2023-10-02. Review status: criteria provided, single submitter. Criteria: ACMG Guidelines, 2015. Collection method: clinical testing. Allele origin: germline. Inheritance: Autosomal dominant inheritance. Observed: 1 variant allele, 1 heterozygote.
Comment: This study involves interpretation of variants in research participants for the purpose of population health screening. Participant phenotype was not available at the time of variant classification. Additional details can be found in publication PMID: 35346344, PMCID: PMC8962531

Labcorp Genetics (formerly Invitae), Labcorp
Classification: Likely benign for Multiple endocrine neoplasia, type 1. Last evaluated: 2020-12-24. Review status: criteria provided, single submitter. Criteria: Invitae Variant Classification Sherloc (09022015). Collection method: clinical testing. Allele origin: germline.